The following is an entry in ClinVar:

ClinVar aggregate classification (germline): Uncertain significance (1 of 4 stars; one submission).

Submission:

Mayo Clinic Laboratories, Mayo Clinic
Classification: Uncertain significance. Last evaluated: 2024-03-21. Review status: criteria provided, single submitter. Criteria: ACMG Guidelines, 2015. Collection method: clinical testing. Allele origin: germline. Observed: 1 variant allele.
Comment: PP3, PM2_moderate

NM_003126.4(SPTA1):c.5433-16T>A

Gene: SPTA1 (spectrin alpha, erythrocytic 1; minus strand). Cytogenetic location: 1q23.1.
Variant type: single nucleotide variant.
Coding change: c.5433-16T>A on transcript NM_003126.4 (MANE Select); 16 bases into the intron before coding-DNA position 5433, T replaced by A.
Molecular consequence: intron variant.
Genome position (GRCh38, 1-based): chr1:158,634,691, A>T on the plus strand (T>A on the coding strand, the complement: SPTA1 is on the minus strand). VCF-style: chr1-158634691-A-T. GRCh37 (hg19) VCF-style: chr1-158604481-A-T.
Other names: p.?.
Identifiers: ClinVar variation 3379996 (VCV003379996.1).
Genomic context (GRCh38, chr1:158,634,691, plus strand): 5'-TGCATGAATTGCAAGTATTCTAGGGATTCTTCCAACTTAAGTCCTCTATAACAAGGTGGC[A>T]AGCCCCAGTGAGGATAAGAACAAACTGGTAAGCAGTGGGAGTACAGTGGGGTGGCACAAT-3'